The following is an entry in ClinVar:

NM_001349253.2(SCN11A):c.3495+8C>G

Gene: SCN11A (sodium voltage-gated channel alpha subunit 11; minus strand). Cytogenetic location: 3p22.2.
Variant type: single nucleotide variant.
Coding change: c.3495+8C>G on transcript NM_001349253.2 (MANE Select); 8 bases into the intron after coding-DNA position 3495, C replaced by G.
Molecular consequence: intron variant.
Genome position (GRCh38, 1-based): chr3:38,872,185, G>C on the plus strand (C>G on the coding strand, the complement: SCN11A is on the minus strand). VCF-style: chr3-38872185-G-C. GRCh37 (hg19) VCF-style: chr3-38913676-G-C.
Other names: c.3495+8C>G (NM_014139.3).
Identifiers: ClinVar variation 474719 (VCV000474719.35), dbSNP rs373980473, ClinGen allele CA2321772.

ClinVar aggregate classification (germline): Benign/Likely benign. Review status: criteria provided, multiple submitters, no conflicts (2 of 4 stars). 3 submissions from 3 submitters: Benign (2); Likely benign (1). Last evaluated 2025-12-03.

Conditions:
SCN11A-related disorder. Also called: SCN11A-related condition.
Hereditary sensory and autonomic neuropathy type 7. Also called: Neuropathy, hereditary sensory and autonomic, type VII; HSAN VII. Identifiers: Orphanet 391397, MedGen C3809882, MONDO:0014244, OMIM 615548.
Familial episodic pain syndrome with predominantly lower limb involvement. Also called: Episodic pain syndrome, familial, 3. Identifiers: Orphanet 391384, Orphanet 391392, MedGen C3809899, MONDO:0014247, OMIM 615552.

Allele frequency attached by ClinVar (database versions not stated): gnomAD 0.00003 and 0.00036; ESP Exome Variant Server 0.00008; TOPMed 0.00008; 1000 Genomes Project 0.00160; gnomAD exomes 0.00161; 1000 Genomes Project 30x 0.00187; ExAC 0.00188.
gnomAD v4.1: 1,249 of 1,517,120 alleles (0.082%); highest among the groups gnomAD compares: South Asian, 1.3%; 27 homozygotes.

Submissions (3):

Labcorp Genetics (formerly Invitae), Labcorp
Classification: Benign for Familial episodic pain syndrome with predominantly lower limb involvement; Hereditary sensory and autonomic neuropathy type 7. Last evaluated: 2025-12-03. Review status: criteria provided, single submitter. Criteria: Invitae Variant Classification Sherloc (09022015). Collection method: clinical testing. Allele origin: germline.

PreventionGenetics, part of Exact Sciences
Classification: Likely benign for SCN11A-related condition. Last evaluated: 2025-08-13. Review status: criteria provided, single submitter. Criteria: ACMG Guidelines, 2015. Collection method: clinical testing. Allele origin: germline.
Comment: This variant is classified as likely benign based on ACMG/AMP sequence variant interpretation guidelines (Richards et al. 2015 PMID: 25741868, with internal and published modifications).

CeGaT Center for Human Genetics Tuebingen
Classification: Benign. Last evaluated: 2024-05-01. Review status: criteria provided, single submitter. Criteria: CeGaT Center For Human Genetics Tuebingen Variant Classification Criteria Version 2. Collection method: clinical testing. Allele origin: germline. Affected: yes. Observed: 3 variant alleles.
Comment: SCN11A: BP4, BS1, BS2